The following is an entry in ClinVar:

ClinVar aggregate classification (germline): Pathogenic (1 of 4 stars; one submission).

Submission:

Labcorp Genetics (formerly Invitae), Labcorp
Classification: Pathogenic. Last evaluated: 2019-03-28. Review status: criteria provided, single submitter. Criteria: Invitae Variant Classification Sherloc (09022015). Collection method: clinical testing. Allele origin: germline.
Comment: Loss-of-function variants in PHEX are known to be pathogenic (PMID: 9097956, 9106524, 19219621). This variant has not been reported in the literature in individuals with PHEX-related conditions. This variant is not present in population databases (ExAC no frequency). This sequence change creates a premature translational stop signal (p.Glu699*) in the PHEX gene. It is expected to result in an absent or disrupted protein product. For these reasons, this variant has been classified as Pathogenic.

Literature cited by the submitters: PubMed 9097956; PubMed 9106524; PubMed 19219621.

NM_000444.6(PHEX):c.2095G>T (p.Glu699Ter)

Genes: PHEX (phosphate regulating endopeptidase X-linked; plus strand), PTCHD1-AS (PTCHD1 and PHEX antisense RNA; minus strand). Cytogenetic location: Xp22.11.
Variant type: single nucleotide variant.
Coding change: c.2095G>T on transcript NM_000444.6 (MANE Select); coding-DNA position 2095, G replaced by T.
Protein change: p.Glu699Ter; replaces glutamic acid 699 with a stop codon.
Molecular consequence: nonsense. On other transcripts: intron variant (1).
Genome position (GRCh38, 1-based): chrX:22,245,357, G>T. VCF-style: chrX-22245357-G-T. GRCh37 (hg19) VCF-style: chrX-22263474-G-T.
Other names: c.2071-2494G>T (NM_001282754.2); short protein forms E699*.
Identifiers: ClinVar variation 946217 (VCV000946217.7), dbSNP rs1936360754, ClinGen allele CA412575216.